The following is an entry in ClinVar:

NM_020975.6(RET):c.1160G>C (p.Gly387Ala)

Gene: RET (ret proto-oncogene; plus strand). Cytogenetic location: 10q11.21.
Variant type: single nucleotide variant.
Coding change: c.1160G>C on transcript NM_020975.6 (MANE Select); coding-DNA position 1160, G replaced by C.
Protein change: p.Gly387Ala; replaces glycine 387 with alanine.
Molecular consequence: missense variant. On other transcripts: intron variant (18).
Genome position (GRCh38, 1-based): chr10:43,109,127, G>C. VCF-style: chr10-43109127-G-C. GRCh37 (hg19) VCF-style: chr10-43604575-G-C.
Other names: c.1160G>C, p.Gly387Ala (NM_000323.2, NM_001406743.1, NM_001406744.1 and 6 more transcripts); c.398G>C, p.Gly133Ala (NM_001355216.2); c.1031G>C, p.Gly344Ala (NM_001406761.1, NM_001406762.1, NM_001406764.1 and 1 more transcripts); c.872G>C, p.Gly291Ala (NM_001406766.1, NM_001406767.1, NM_001406770.1); c.722G>C, p.Gly241Ala (NM_001406771.1, NM_001406773.1); c.434G>C, p.Gly145Ala (NM_001406775.1, NM_001406776.1, NM_001406777.1 and 1 more transcripts); c.170G>C, p.Gly57Ala (NM_001406784.1); c.868-2080G>C (NM_001406772.1, NM_001406769.1); and 5 more; short protein forms G133A, G145A, G241A, G291A, G344A, G387A, G57A.
Identifiers: ClinVar variation 3074605 (VCV003074605.1), dbSNP rs2538424756, ClinGen allele CA376547582.
Genomic context (GRCh38, chr10:43,109,127, plus strand): 5'-ACCGCACCATGCAGCTGGCGGTGCTGGTCAATGACTCAGACTTCCAGGGCCCAGGAGCGG[G>C]CGTCCTCTTGCTCCACTTCAACGTGTCGGTGCTGCCGGTCAGCCTGCACCTGCCCAGTAC-3'
Protein context (NP_066124.1, residues 377-397): NDSDFQGPGA[Gly387Ala]VLLLHFNVSV

ClinVar aggregate classification (germline): Uncertain significance (1 of 4 stars; one submission).

Conditions:
Multiple endocrine neoplasia, type 2 (MEN2). Identifiers: Orphanet 653, MedGen C4048306, MONDO:0019003. Disease mechanism: gain of function.

Submission:

All of Us Research Program, National Institutes of Health
Classification: Uncertain significance for Multiple endocrine neoplasia, type 2. Last evaluated: 2023-11-20. Review status: criteria provided, single submitter. Criteria: ACMG Guidelines, 2015. Collection method: clinical testing. Allele origin: germline. Inheritance: Autosomal dominant inheritance. Observed: 1 variant allele, 1 heterozygote.
Comment: This missense variant replaces glycine with alanine at codon 387 of the RET protein. Computational prediction suggests that this variant may not impact protein structure and function (internally defined REVEL score threshold <= 0.5, PMID: 27666373). To our knowledge, functional studies have not been reported for this variant. This variant has not been reported in individuals affected with RET-related disorders in the literature. This variant has not been identified in the general population by the Genome Aggregation Database (gnomAD). The available evidence is insufficient to determine the role of this variant in disease conclusively. Therefore, this variant is classified as a Variant of Uncertain Significance.

This study involves interpretation of variants in research participants for the purpose of population health screening. Participant phenotype was not available at the time of variant classification. Additional details can be found in publication PMID: 35346344, PMCID: PMC8962531